The following is an entry in ClinVar:

ClinVar aggregate classification (germline): Uncertain significance (1 of 4 stars; one submission).

Conditions:
Hereditary cancer-predisposing syndrome. Also called: Neoplastic Syndromes, Hereditary; Tumor predisposition; Hereditary neoplastic syndrome; Hereditary Cancer Syndrome. Identifiers: Orphanet 140162, MedGen C0027672, MeSH D009386, MONDO:0015356.

Submission:

Ambry Genetics
Classification: Uncertain significance for Hereditary cancer-predisposing syndrome. Last evaluated: 2026-07-07. Review status: criteria provided, single submitter. Criteria: Ambry Variant Classification Scheme 2023. Collection method: clinical testing. Allele origin: germline.
Comment: The p.Q164E variant (also known as c.490C>G), located in coding exon 5 of the SDHB gene, results from a C to G substitution at nucleotide position 490. The glutamine at codon 164 is replaced by glutamic acid, an amino acid with highly similar properties. This amino acid position is conserved. In addition, the in silico prediction for this alteration is inconclusive. Based on the available evidence, the clinical significance of this variant remains unclear.

NM_003000.3(SDHB):c.490C>G (p.Gln164Glu)

Gene: SDHB (succinate dehydrogenase complex iron sulfur subunit B; minus strand). Cytogenetic location: 1p36.13.
Variant type: single nucleotide variant.
Coding change: c.490C>G on transcript NM_003000.3 (MANE Select); coding-DNA position 490, C replaced by G.
Protein change: p.Gln164Glu; replaces glutamine 164 with glutamic acid.
Molecular consequence: missense variant.
Genome position (GRCh38, 1-based): chr1:17,027,799, G>C on the plus strand (C>G on the coding strand, the complement: SDHB is on the minus strand). VCF-style: chr1-17027799-G-C. GRCh37 (hg19) VCF-style: chr1-17354294-G-C.
Other names: c.436C>G, p.Gln146Glu (NM_001407361.1); short protein forms Q164E, Q146E.
Identifiers: ClinVar variation 5029284 (VCV005029284.1).
Genomic context (GRCh38, chr1:17,027,799, plus strand): 5'-GACTAATGACCAGTTTCTCACGCTCTTCTATGGACTGCAGATACTGCTGCTTGCCTTCCT[G>C]AGATTCATCCTTCTTCTTCAAATAAGGCTCAATGGATTTGTACTGTGCATAGAAGTTGCT-3'
Protein context (NP_002991.2, residues 154-174): EPYLKKKDES[Gln164Glu]EGKQQYLQSI